The following is an entry in ClinVar:

NM_152490.5(B3GALNT2):c.461C>G (p.Pro154Arg)

Gene: B3GALNT2 (beta-1,3-N-acetylgalactosaminyltransferase 2; minus strand). Cytogenetic location: 1q42.3.
Variant type: single nucleotide variant.
Coding change: c.461C>G on transcript NM_152490.5 (MANE Select); coding-DNA position 461, C replaced by G.
Protein change: p.Pro154Arg; replaces proline 154 with arginine.
Molecular consequence: missense variant.
Genome position (GRCh38, 1-based): chr1:235,484,416, G>C on the plus strand (C>G on the coding strand, the complement: B3GALNT2 is on the minus strand). VCF-style: chr1-235484416-G-C. GRCh37 (hg19) VCF-style: chr1-235647732-G-C.
Other names: c.584C>G, p.Pro195Arg (NM_001277155.3); short protein forms P154R, P195R.
Identifiers: ClinVar variation 1478591 (VCV001478591.6), dbSNP rs1684702121, ClinGen allele CA344925232.

ClinVar aggregate classification (germline): Uncertain significance (1 of 4 stars; one submission).

Conditions:
Muscular dystrophy-dystroglycanopathy (congenital with brain and eye anomalies), type a, 11 (MDDGA11). Also called: Muscular dystrophy-dystroglycanopathy (congenital with brain and eye anomalies, type A, 11; Congenital muscular dystrophy-dystroglycanopathy with brain and eye anomalies, type A11; WALKER-WARBURG SYNDROME OR MUSCLE-EYE-BRAIN DISEASE, B3GALNT2-RELATED. Identifiers: Orphanet 588, Orphanet 899, MedGen C3554638, MONDO:0014071, OMIM 615181.

Allele frequency attached by ClinVar (database versions not stated): gnomAD 0.00001.
gnomAD v4.1: 1 of 1,614,062 alleles (0.000062%); highest among the groups gnomAD compares: Non-Finnish European, 0.000085%; no homozygotes.

Submission:

Labcorp Genetics (formerly Invitae), Labcorp
Classification: Uncertain significance for Muscular dystrophy-dystroglycanopathy (congenital with brain and eye anomalies), type a, 11. Last evaluated: 2024-11-01. Review status: criteria provided, single submitter. Criteria: Invitae Variant Classification Sherloc (09022015). Collection method: clinical testing. Allele origin: germline.
Comment: This sequence change replaces proline, which is neutral and non-polar, with arginine, which is basic and polar, at codon 154 of the B3GALNT2 protein (p.Pro154Arg). This variant is not present in population databases (gnomAD no frequency). This variant has not been reported in the literature in individuals affected with B3GALNT2-related conditions. ClinVar contains an entry for this variant (Variation ID: 1478591). Invitae Evidence Modeling of protein sequence and biophysical properties (such as structural, functional, and spatial information, amino acid conservation, physicochemical variation, residue mobility, and thermodynamic stability) indicates that this missense variant is not expected to disrupt B3GALNT2 protein function with a negative predictive value of 80%. In summary, the available evidence is currently insufficient to determine the role of this variant in disease. Therefore, it has been classified as a Variant of Uncertain Significance.